The following is an entry in ClinVar:

ClinVar aggregate classification (germline): Uncertain significance. Review status: criteria provided, multiple submitters, no conflicts (2 of 4 stars). 2 submissions from 2 submitters: Uncertain significance (2). Last evaluated 2025-03-03.

Submissions (2):

Labcorp Genetics (formerly Invitae), Labcorp
Classification: Uncertain significance. Last evaluated: 2025-03-03. Review status: criteria provided, single submitter. Criteria: Invitae Variant Classification Sherloc (09022015). Collection method: clinical testing. Allele origin: germline.
Comment: This sequence change replaces threonine, which is neutral and polar, with alanine, which is neutral and non-polar, at codon 251 of the RINT1 protein (p.Thr251Ala). This variant is not present in population databases (gnomAD no frequency). This variant has not been reported in the literature in individuals affected with RINT1-related conditions. ClinVar contains an entry for this variant (Variation ID: 2914199). An algorithm developed to predict the effect of missense changes on protein structure and function outputs the following: PolyPhen-2: "Benign". The alanine amino acid residue is found in multiple mammalian species, which suggests that this missense change does not adversely affect protein function. In summary, the available evidence is currently insufficient to determine the role of this variant in disease. Therefore, it has been classified as a Variant of Uncertain Significance.

Ambry Genetics
Classification: Uncertain significance. Last evaluated: 2024-02-24. Review status: criteria provided, single submitter. Criteria: Ambry Variant Classification Scheme 2023. Collection method: clinical testing. Allele origin: germline.
Comment: The p.T251A variant (also known as c.751A>G), located in coding exon 6 of the RINT1 gene, results from an A to G substitution at nucleotide position 751. The threonine at codon 251 is replaced by alanine, an amino acid with similar properties. This amino acid position is conserved. In addition, this alteration is predicted to be tolerated by in silico analysis. Based on the available evidence, the clinical significance of this alteration remains unclear.

NM_021930.6(RINT1):c.751A>G (p.Thr251Ala)

Gene: RINT1 (RAD50 interactor 1; plus strand). Cytogenetic location: 7q22.3.
Variant type: single nucleotide variant.
Coding change: c.751A>G on transcript NM_021930.6 (MANE Select); coding-DNA position 751, A replaced by G.
Protein change: p.Thr251Ala; replaces threonine 251 with alanine.
Molecular consequence: missense variant. On other transcripts: 5 prime UTR variant (2), non-coding transcript variant (1), intron variant (1).
Genome position (GRCh38, 1-based): chr7:105,547,245, A>G. VCF-style: chr7-105547245-A-G. GRCh37 (hg19) VCF-style: chr7-105187692-A-G.
Other names: c.751A>G (NM_021930.4); c.517A>G, p.Thr173Ala (NM_001346599.2); c.-269A>G (NM_001346600.2); c.-172A>G (NM_001346601.2); c.-27-2810A>G (NM_001346603.2); short protein forms T173A, T251A.
Identifiers: ClinVar variation 2914199 (VCV002914199.4), dbSNP rs2485123975, ClinGen allele CA368806309.